The following is an entry in ClinVar:

ClinVar aggregate classification (germline): Uncertain significance (1 of 4 stars; one submission).

gnomAD v4.1: 3 of 1,555,022 alleles (0.00019%); highest among the groups gnomAD compares: East Asian, 0.0068%; no homozygotes.

Submission:

Labcorp Genetics (formerly Invitae), Labcorp
Classification: Uncertain significance. Last evaluated: 2024-09-11. Review status: criteria provided, single submitter. Criteria: Invitae Variant Classification Sherloc (09022015). Collection method: clinical testing. Allele origin: germline.
Comment: This sequence change replaces serine, which is neutral and polar, with proline, which is neutral and non-polar, at codon 782 of the TNNI3K protein (p.Ser782Pro). This variant is not present in population databases (gnomAD no frequency). This variant has not been reported in the literature in individuals affected with TNNI3K-related conditions. An algorithm developed to predict the effect of missense changes on protein structure and function outputs the following: PolyPhen-2: "Benign". The proline amino acid residue is found in multiple mammalian species, which suggests that this missense change does not adversely affect protein function. In summary, the available evidence is currently insufficient to determine the role of this variant in disease. Therefore, it has been classified as a Variant of Uncertain Significance.

NM_015978.3(TNNI3K):c.2344T>C (p.Ser782Pro)

Genes: FPGT-TNNI3K (FPGT-TNNI3K readthrough; plus strand), LRRC53 (leucine rich repeat containing 53; minus strand), TNNI3K (TNNI3 interacting kinase; plus strand). Cytogenetic location: 1p31.1.
Variant type: single nucleotide variant.
Coding change: c.2344T>C on transcript NM_015978.3 (MANE Select); coding-DNA position 2344, T replaced by C.
Protein change: p.Ser782Pro; replaces serine 782 with proline.
Molecular consequence: missense variant. On other transcripts: intron variant (2).
Genome position (GRCh38, 1-based): chr1:74,492,259, T>C. VCF-style: chr1-74492259-T-C. GRCh37 (hg19) VCF-style: chr1-74957943-T-C.
Other names: c.2647T>C, p.Ser883Pro (NM_001112808.3); c.-8-11291A>G (NM_001364666.2); c.-26-8884A>G (NM_001382280.1); short protein forms S782P, S883P.
Identifiers: ClinVar variation 3704657 (VCV003704657.2).